The following is an entry in ClinVar:

ClinVar aggregate classification (germline): Uncertain significance (1 of 4 stars; one submission).

Submission:

GeneDx
Classification: Uncertain significance. Last evaluated: 2020-01-13. Review status: criteria provided, single submitter. Criteria: GeneDx Variant Classification Process June 2021. Collection method: clinical testing. Allele origin: germline. Affected: yes.
Comment: Not observed in large population cohorts (Lek et al., 2016); In silico analysis, which includes protein predictors and evolutionary conservation, supports that this variant does not alter protein structure/function; Has not been previously published as pathogenic or benign to our knowledge

NM_001039591.3(USP9X):c.7318A>T (p.Asn2440Tyr)

Gene: USP9X (ubiquitin specific peptidase 9 X-linked; plus strand). Cytogenetic location: Xp11.4.
Variant type: single nucleotide variant.
Coding change: c.7318A>T on transcript NM_001039591.3 (MANE Select); coding-DNA position 7318, A replaced by T.
Protein change: p.Asn2440Tyr; replaces asparagine 2440 with tyrosine.
Molecular consequence: missense variant.
Genome position (GRCh38, 1-based): chrX:41,229,666, A>T. VCF-style: chrX-41229666-A-T. GRCh37 (hg19) VCF-style: chrX-41088919-A-T.
Other names: c.7318A>T, p.Asn2440Tyr (NM_001039590.3); short protein forms N2440Y.
Identifiers: ClinVar variation 1312004 (VCV001312004.2), dbSNP rs2147277158, ClinGen allele CA412753254.